The following is an entry in ClinVar:

ClinVar aggregate classification (germline): Likely benign. Review status: criteria provided, multiple submitters, no conflicts (2 of 4 stars). 4 submissions from 4 submitters: Likely benign (3). 1 of the submissions does not count toward it. Last evaluated 2026-01-12.

Conditions:
Nephronophthisis 18 (NPHP18). Identifiers: Orphanet 655, MedGen C3890591, MONDO:0014374, OMIM 615862.
CEP83-related disorder. Also called: CEP83-related condition.

Allele frequency attached by ClinVar (database versions not stated): gnomAD exomes 0.00009 and 0.00012; ExAC 0.00012; gnomAD 0.00013; 1000 Genomes Project 30x 0.00016; TOPMed 0.00017; 1000 Genomes Project 0.00020.
gnomAD v4.1: 168 of 1,614,038 alleles (0.01%); highest among the groups gnomAD compares: Middle Eastern, 0.54%; no homozygotes.

Submissions (4):

Labcorp Genetics (formerly Invitae), Labcorp
Classification: Likely benign for Nephronophthisis 18. Last evaluated: 2026-01-12. Review status: criteria provided, single submitter. Criteria: Invitae Variant Classification Sherloc (09022015). Collection method: clinical testing. Allele origin: germline.

Blueprint Genetics
Classification: Likely benign. Last evaluated: 2024-11-14. Review status: criteria provided, single submitter. Criteria: ACMG Guidelines, 2015. Collection method: clinical testing. Allele origin: germline.

Breakthrough Genomics
Classification: Likely benign. Review status: criteria provided, single submitter. Criteria: ACMG Guidelines, 2015. Collection method: not provided. Allele origin: germline. Inheritance: Autosomal recessive inheritance. Affected: yes.

PreventionGenetics, part of Exact Sciences
Classification: Likely benign for CEP83-related condition. Last evaluated: 2024-04-22. Review status: no assertion criteria provided. Collection method: clinical testing. Allele origin: germline. Not counted in ClinVar's aggregate classification.
Comment: This variant is classified as likely benign based on ACMG/AMP sequence variant interpretation guidelines (Richards et al. 2015 PMID: 25741868, with internal and published modifications).

NM_016122.3(CEP83):c.696G>A (p.Ala232=)

Gene: CEP83 (centrosomal protein 83; minus strand). Cytogenetic location: 12q22.
Variant type: single nucleotide variant.
Coding change: c.696G>A on transcript NM_016122.3 (MANE Select); coding-DNA position 696, G replaced by A.
Protein change: p.Ala232=; no amino-acid change (alanine 232 retained).
Molecular consequence: synonymous variant. On other transcripts: non-coding transcript variant (3).
Genome position (GRCh38, 1-based): chr12:94,378,896, C>T on the plus strand (G>A on the coding strand, the complement: CEP83 is on the minus strand). VCF-style: chr12-94378896-C-T. GRCh37 (hg19) VCF-style: chr12-94772672-C-T.
Other names: c.696G>A, p.Ala232= (NM_001042399.2, NM_001346457.2, NM_001346460.2 and 3 more transcripts); c.384G>A, p.Ala128= (NM_001346458.2, NM_001346459.2, NM_001346462.2 and 2 more transcripts); c.471G>A, p.Ala157= (NM_001368041.1); c.159G>A, p.Ala53= (NM_001368042.1); c.696G>A (NM_016122.2).
Identifiers: ClinVar variation 1099311 (VCV001099311.13), dbSNP rs199828197, ClinGen allele CA6721862.